The following is an entry in ClinVar:

NM_206933.4(USH2A):c.11659T>G (p.Trp3887Gly)

Gene: USH2A (usherin; minus strand). Cytogenetic location: 1q41.
Variant type: single nucleotide variant.
Coding change: c.11659T>G on transcript NM_206933.4 (MANE Select); coding-DNA position 11659, T replaced by G.
Protein change: p.Trp3887Gly; replaces tryptophan 3887 with glycine.
Molecular consequence: missense variant.
Genome position (GRCh38, 1-based): chr1:215,741,427, A>C on the plus strand (T>G on the coding strand, the complement: USH2A is on the minus strand). VCF-style: chr1-215741427-A-C. GRCh37 (hg19) VCF-style: chr1-215914769-A-C.
Other names: short protein forms W3887G.
Identifiers: ClinVar variation 1050093 (VCV001050093.2), dbSNP rs1660298981, ClinGen allele CA344833444.
Genomic context (GRCh38, chr1:215,741,427, plus strand): 5'-AATCTTACCTGTAAATAAAGTAGTTGATGATGATTCCATTTGGTTTTTCAGGTGGCATCC[A>C]CTTAATCTCTATGCAAGCTGACCCCAGTGCCTTAAGAACAGGAGAATTAAGATCCATTGG-3'
Protein context (NP_996816.3, residues 3877-3897): ALGSACIEIK[Trp3887Gly]MPPEKPNGII

ClinVar aggregate classification (germline): Uncertain significance. Review status: no assertion criteria provided (0 of 4 stars). 2 submissions from 2 submitters: Uncertain significance (2). Last evaluated 2014-01-01.

Conditions:
Retinal dystrophy. Also called: Inherited retinal dystrophy. Identifiers: Orphanet 71862, MedGen C0854723, MeSH D058499, MONDO:0019118, HP:0000556.

Allele frequency attached by ClinVar (database versions not stated): gnomAD exomes below 0.00001.
gnomAD v4.1: 1 of 1,614,114 alleles (0.000062%); highest among the groups gnomAD compares: Non-Finnish European, 0.000085%; no homozygotes.

Submissions (2):

Institute of Human Genetics, Univ. Regensburg, Univ. Regensburg
Classification: Uncertain significance for Retinal dystrophy. Last evaluated: 2014-01-01. Review status: no assertion criteria provided. Criteria: ACMG Guidelines, 2015. Collection method: clinical testing. Allele origin: germline. Affected: yes.

Department of Pathology and Laboratory Medicine, Sinai Health System
Classification: Uncertain significance. Review status: no assertion criteria provided. Collection method: clinical testing. Allele origin: unknown. Affected: yes. Study: The Canadian Open Genetics Repository (COGR).
Comment: The USH2A p.Trp3887Gly variant was not identified in the literature nor was it identified in dbSNP, ClinVar or in the following control databases: the 1000 Genomes Project, the NHLBI GO Exome Sequencing Project, or the Genome Aggregation Database (March 6, 2019, v2.1.1). The p.Trp3887 residue is conserved across mammals and other organisms, and four out of five computational analyses (PolyPhen-2, SIFT, AlignGVGD, BLOSUM, MutationTaster) suggest that the variant may impact the protein; however, this information is not predictive enough to assume pathogenicity. The variant occurs outside of the splicing consensus sequence and in silico or computational prediction software programs (SpliceSiteFinder, MaxEntScan, NNSPLICE, GeneSplicer) do not predict a difference in splicing. In summary, based on the above information the clinical significance of this variant cannot be determined with certainty at this time. This variant is classified as a variant of uncertain significance.